The following is an entry in ClinVar:

ClinVar aggregate classification (germline): Benign (1 of 4 stars; one submission).

Submission:

CeGaT Center for Human Genetics Tuebingen
Classification: Benign. Last evaluated: 2022-10-01. Review status: criteria provided, single submitter. Criteria: CeGaT Center For Human Genetics Tuebingen Variant Classification Criteria Version 2. Collection method: clinical testing. Allele origin: germline. Affected: yes. Observed: 1 variant allele.
Comment: FOXP1: BS1, BS2

NM_001349338.3(FOXP1):c.*1231_*1235dup

Gene: FOXP1 (forkhead box P1; minus strand). Cytogenetic location: 3p13.
Variant type: Duplication.
Coding change: c.*1231_*1235dup on transcript NM_001349338.3 (MANE Select); 1231 bases downstream of the stop codon through 1235 bases downstream of the stop codon, 5 bases duplicated (TGTTT; older notation c.*1231_*1235dupTGTTT).
Molecular consequence: 3 prime UTR variant. On other transcripts: non-coding transcript variant (2).
Genome position (GRCh38, 1-based): chr3:70,958,012-70,958,016, AAACA duplicated on the plus strand (TGTTT on the coding strand, the reverse complement: FOXP1 is on the minus strand); duplicating any 5 consecutive bases within chr3:70,958,012-70,958,020 gives the same sequence; the c. name uses the placement nearest the transcript's 3' end. VCF-style (leftmost placement, unchanged base first): chr3-70958011-C-CAAACA. GRCh37 (hg19) VCF-style: chr3-71007162-C-CAAACA.
Other names: c.*1231_*1235dup (NM_001244808.3, NM_001244810.2, NM_001244812.3 and 12 more transcripts).
Identifiers: ClinVar variation 346606 (VCV000346606.29), dbSNP rs373349025, ClinGen allele CA10616643.
Genomic context (GRCh38, chr3:70,958,011, plus strand): 5'-GCCACCCCTACTTTCAGGGCAGCTGCTCGGGGAAGCCGGTTTTTTTTTTTGGCCATTTTG[C>CAAACA]AAACAAAACCAACCCACACCCGTTATCGCAGAGCACCCAAGGCCCATGGCAACTTGGTTC-3'